The following is an entry in ClinVar:

ClinVar aggregate classification (germline): Benign/Likely benign. Review status: criteria provided, multiple submitters, no conflicts (2 of 4 stars). 3 submissions from 3 submitters: Benign (1); Likely benign (2). Last evaluated 2025-03-23.

Conditions:
Lynch syndrome 5 (LYNCH5). Also called: Colorectal cancer, hereditary nonpolyposis, type 5; Hereditary non-polyposis colorectal cancer, type 5. Identifiers: Orphanet 144, MedGen C1833477, MONDO:0013710, OMIM 614350. Disease mechanism: loss of function.
Hereditary nonpolyposis colorectal neoplasms. Identifiers: MedGen C0009405, MeSH D003123.

Submissions (3):

Labcorp Genetics (formerly Invitae), Labcorp
Classification: Likely benign for Hereditary nonpolyposis colorectal neoplasms. Last evaluated: 2025-03-23. Review status: criteria provided, single submitter. Criteria: Invitae Variant Classification Sherloc (09022015). Collection method: clinical testing. Allele origin: germline.

Myriad Genetics, Inc.
Classification: Benign for Lynch syndrome 5. Last evaluated: 2024-12-20. Review status: criteria provided, single submitter. Criteria: Myriad Autosomal Dominant, Autosomal Recessive and X-Linked Classification Criteria (2023). Collection method: clinical testing. Allele origin: unknown.
Comment: This variant is considered benign. This variant is a silent/synonymous amino acid change and it is not expected to impact splicing.

Quest Diagnostics Nichols Institute San Juan Capistrano
Classification: Likely benign. Last evaluated: 2023-05-19. Review status: criteria provided, single submitter. Criteria: Quest Diagnostics criteria. Collection method: clinical testing. Allele origin: unknown.

NM_000179.3(MSH6):c.789G>A (p.Val263=)

Gene: MSH6 (mutS homolog 6; plus strand). Cytogenetic location: 2p16.3.
Variant type: single nucleotide variant.
Coding change: c.789G>A on transcript NM_000179.3 (MANE Select); coding-DNA position 789, G replaced by A.
Protein change: p.Val263=; no amino-acid change (valine 263 retained).
Molecular consequence: synonymous variant. On other transcripts: 5 prime UTR variant (9), non-coding transcript variant (4), intron variant (1).
Genome position (GRCh38, 1-based): chr2:47,798,772, G>A. VCF-style: chr2-47798772-G-A. GRCh37 (hg19) VCF-style: chr2-48025911-G-A.
Other names: c.399G>A, p.Val133= (NM_001281492.2); c.-118G>A (NM_001281493.2, NM_001281494.2, NM_001406811.1 and 6 more transcripts); c.885G>A, p.Val295= (NM_001406795.1, NM_001406802.1); c.789G>A, p.Val263= (NM_001406796.1, NM_001406798.1, NM_001406800.1 and 4 more transcripts); c.492G>A, p.Val164= (NM_001406797.1, NM_001406801.1, NM_001406805.1 and 10 more transcripts); c.264G>A, p.Val88= (NM_001406799.1, NM_001406806.1, NM_001406807.1); c.711G>A, p.Val237= (NM_001406804.1); c.795G>A, p.Val265= (NM_001406813.1); and 2 more.
Identifiers: ClinVar variation 2131390 (VCV002131390.6), dbSNP rs2104297796, ClinGen allele CA426120797.